The following is an entry in ClinVar:

NM_031935.3(HMCN1):c.11830T>G (p.Tyr3944Asp)

Gene: HMCN1 (hemicentin 1; plus strand). Cytogenetic location: 1q31.1.
Variant type: single nucleotide variant.
Coding change: c.11830T>G on transcript NM_031935.3 (MANE Select); coding-DNA position 11830, T replaced by G.
Protein change: p.Tyr3944Asp; replaces tyrosine 3944 with aspartic acid.
Molecular consequence: missense variant.
Genome position (GRCh38, 1-based): chr1:186,117,605, T>G. VCF-style: chr1-186117605-T-G. GRCh37 (hg19) VCF-style: chr1-186086737-T-G.
Other names: short protein forms Y3944D.
Identifiers: ClinVar variation 1955951 (VCV001955951.5), dbSNP rs1661197055, ClinGen allele CA343946397.

ClinVar aggregate classification (germline): Uncertain significance (1 of 4 stars; one submission).

Allele frequency attached by ClinVar (database versions not stated): TOPMed 0.00001.

Submission:

Labcorp Genetics (formerly Invitae), Labcorp
Classification: Uncertain significance. Last evaluated: 2022-05-15. Review status: criteria provided, single submitter. Criteria: Invitae Variant Classification Sherloc (09022015). Collection method: clinical testing. Allele origin: germline.
Comment: This variant has not been reported in the literature in individuals affected with HMCN1-related conditions. This variant is not present in population databases (gnomAD no frequency). This sequence change replaces tyrosine, which is neutral and polar, with aspartic acid, which is acidic and polar, at codon 3944 of the HMCN1 protein (p.Tyr3944Asp). Algorithms developed to predict the effect of missense changes on protein structure and function (SIFT, PolyPhen-2, Align-GVGD) all suggest that this variant is likely to be disruptive. In summary, the available evidence is currently insufficient to determine the role of this variant in disease. Therefore, it has been classified as a Variant of Uncertain Significance.